The following is an entry in ClinVar:

NM_006231.4(POLE):c.3307C>T (p.Pro1103Ser)

Gene: POLE (DNA polymerase epsilon, catalytic subunit; minus strand). Cytogenetic location: 12q24.33.
Variant type: single nucleotide variant.
Coding change: c.3307C>T on transcript NM_006231.4 (MANE Select); coding-DNA position 3307, C replaced by T.
Protein change: p.Pro1103Ser; replaces proline 1103 with serine.
Molecular consequence: missense variant.
Genome position (GRCh38, 1-based): chr12:132,657,939, G>A on the plus strand (C>T on the coding strand, the complement: POLE is on the minus strand). VCF-style: chr12-132657939-G-A. GRCh37 (hg19) VCF-style: chr12-133234525-G-A.
Other names: short protein forms P1103S.
Identifiers: ClinVar variation 1426640 (VCV001426640.8), dbSNP rs2138663604, ClinGen allele CA387389742.

ClinVar aggregate classification (germline): Uncertain significance (1 of 4 stars; one submission).

Submission:

Labcorp Genetics (formerly Invitae), Labcorp
Classification: Uncertain significance. Last evaluated: 2021-02-12. Review status: criteria provided, single submitter. Criteria: Invitae Variant Classification Sherloc (09022015). Collection method: clinical testing. Allele origin: germline.
Comment: In summary, the available evidence is currently insufficient to determine the role of this variant in disease. Therefore, it has been classified as a Variant of Uncertain Significance. Algorithms developed to predict the effect of missense changes on protein structure and function (SIFT, PolyPhen-2, Align-GVGD) all suggest that this variant is likely to be tolerated, but these predictions have not been confirmed by published functional studies and their clinical significance is uncertain. This variant has not been reported in the literature in individuals with POLE-related conditions. This variant is not present in population databases (ExAC no frequency). This sequence change replaces proline with serine at codon 1103 of the POLE protein (p.Pro1103Ser). The proline residue is moderately conserved and there is a moderate physicochemical difference between proline and serine.